The following is an entry in ClinVar:

ClinVar aggregate classification (germline): Uncertain significance (1 of 4 stars; one submission).

Conditions:
FGFR3-related chondrodysplasia. Identifiers: Orphanet 93420, MedGen C5681604, MONDO:0019685.

Submission:

Genomenon, Inc
Classification: Uncertain significance for FGFR3-related chondrodysplasia. Last evaluated: 2026-06-23. Review status: criteria provided, single submitter. Criteria: Genomenon Sequence Variant Interpretation Standards - Updated. Collection method: curation. Allele origin: germline. Affected: no.
Comment: FGFR3 p.Ala20Val (c.59C>T) is a missense variant that changes the amino acid at codon 20 from Alanine to Valine. This variant has been reported in the published literature (PMID:28768959). It is absent or not present at a significant frequency in gnomAD. In silico models predict that this variant is not damaging. In conclusion, we classify FGFR3 p.Ala20Val (c.59C>T) as a variant of uncertain significance.

Literature cited by the submitters: PubMed 28768959.

NM_000142.5(FGFR3):c.59C>T (p.Ala20Val)

Gene: FGFR3 (fibroblast growth factor receptor 3; plus strand). Cytogenetic location: 4p16.3.
Variant type: single nucleotide variant.
Coding change: c.59C>T on transcript NM_000142.5 (MANE Select); coding-DNA position 59, C replaced by T.
Protein change: p.Ala20Val; replaces alanine 20 with valine.
Molecular consequence: missense variant. On other transcripts: non-coding transcript variant (1).
Genome position (GRCh38, 1-based): chr4:1,793,993, C>T. VCF-style: chr4-1793993-C-T. GRCh37 (hg19) VCF-style: chr4-1795720-C-T.
Other names: c.59C>T, p.Ala20Val (NM_022965.4, NM_001163213.2, NM_001354809.2 and 1 more transcripts); short protein forms A20V.
Identifiers: ClinVar variation 4857812 (VCV004857812.1).